The following is an entry in ClinVar:

ClinVar aggregate classification (germline): Likely benign. Review status: criteria provided, single submitter (1 of 4 stars). 2 submissions from 2 submitters: Likely benign (1). 1 of the submissions does not count toward it. Last evaluated 2025-12-30.

Conditions:
NBAS-related disorder. Also called: NBAS-related condition.

Allele frequency attached by ClinVar (database versions not stated): TOPMed below 0.00001; ExAC 0.00001.
gnomAD v4.1: 11 of 1,610,658 alleles (0.00068%); highest among the groups gnomAD compares: Middle Eastern, 0.017%; no homozygotes.

Submissions (2):

Labcorp Genetics (formerly Invitae), Labcorp
Classification: Likely benign. Last evaluated: 2025-12-30. Review status: criteria provided, single submitter. Criteria: Invitae Variant Classification Sherloc (09022015). Collection method: clinical testing. Allele origin: germline.

PreventionGenetics, part of Exact Sciences
Classification: Likely benign for NBAS-related condition. Last evaluated: 2020-05-06. Review status: no assertion criteria provided. Collection method: clinical testing. Allele origin: germline. Not counted in ClinVar's aggregate classification.
Comment: This variant is classified as likely benign based on ACMG/AMP sequence variant interpretation guidelines (Richards et al. 2015 PMID: 25741868, with internal and published modifications).

NM_015909.4(NBAS):c.3361-6T>A

Gene: NBAS (NBAS subunit of NRZ tethering complex; minus strand). Cytogenetic location: 2p24.3.
Variant type: single nucleotide variant.
Coding change: c.3361-6T>A on transcript NM_015909.4 (MANE Select); 6 bases into the intron before coding-DNA position 3361, T replaced by A.
Molecular consequence: intron variant.
Genome position (GRCh38, 1-based): chr2:15,379,837, A>T on the plus strand (T>A on the coding strand, the complement: NBAS is on the minus strand). VCF-style: chr2-15379837-A-T. GRCh37 (hg19) VCF-style: chr2-15519961-A-T.
Other names: c.3361-6T>A (NM_015909.3).
Identifiers: ClinVar variation 2148347 (VCV002148347.6), dbSNP rs770423496, ClinGen allele CA1536034.